The following is an entry in ClinVar:

ClinVar aggregate classification (germline): Uncertain significance. Review status: criteria provided, multiple submitters, no conflicts (2 of 4 stars). 2 submissions from 2 submitters: Uncertain significance (2). Last evaluated 2025-07-01.

Allele frequency attached by ClinVar (database versions not stated): gnomAD exomes below 0.00001.
gnomAD v4.1: 2 of 1,538,066 alleles (0.00013%); highest among the groups gnomAD compares: Non-Finnish European, 0.00018%; no homozygotes.

Submissions (2):

Dasa
Classification: Uncertain significance. Last evaluated: 2025-07-01. Review status: criteria provided, single submitter. Criteria: DASA Assertion Criteria. Collection method: clinical testing. Allele origin: germline.
Comment: NM_001142800.2(EYS):c.6110G>T (p.Cys2037Phe) is a missense variant that results in the substitution of cysteine with phenylalanine. This variant is rare in population databases. The currently available literature and clinical evidence are not sufficient to establish a definitive association between this variant and the reported condition. Therefore, this variant is classified as a variant of uncertain significance.

Labcorp Genetics (formerly Invitae), Labcorp
Classification: Uncertain significance. Last evaluated: 2021-08-18. Review status: criteria provided, single submitter. Criteria: Invitae Variant Classification Sherloc (09022015). Collection method: clinical testing. Allele origin: germline.
Comment: This sequence change replaces cysteine with phenylalanine at codon 2037 of the EYS protein (p.Cys2037Phe). The cysteine residue is moderately conserved and there is a large physicochemical difference between cysteine and phenylalanine. This variant is not present in population databases (ExAC no frequency). This variant has not been reported in the literature in individuals affected with EYS-related conditions. Algorithms developed to predict the effect of missense changes on protein structure and function are either unavailable or do not agree on the potential impact of this missense change (SIFT: "Deleterious"; PolyPhen-2: "Probably Damaging"; Align-GVGD: "Class C0"). In summary, the available evidence is currently insufficient to determine the role of this variant in disease. Therefore, it has been classified as a Variant of Uncertain Significance.

NM_001142800.2(EYS):c.6110G>T (p.Cys2037Phe)

Gene: EYS (EGF-like photoreceptor maintenance factor; minus strand). Cytogenetic location: 6q12.
Variant type: single nucleotide variant.
Coding change: c.6110G>T on transcript NM_001142800.2 (MANE Select); coding-DNA position 6110, G replaced by T.
Protein change: p.Cys2037Phe; replaces cysteine 2037 with phenylalanine.
Molecular consequence: missense variant.
Genome position (GRCh38, 1-based): chr6:64,307,051, C>A on the plus strand (G>T on the coding strand, the complement: EYS is on the minus strand). VCF-style: chr6-64307051-C-A. GRCh37 (hg19) VCF-style: chr6-65016944-C-A.
Other names: c.6110G>T, p.Cys2037Phe (NM_001292009.2); short protein forms C2037F.
Identifiers: ClinVar variation 1513643 (VCV001513643.5), dbSNP rs1334628225, ClinGen allele CA364391849.
Genomic context (GRCh38, chr6:64,307,051, plus strand): 5'-TTTTTCACTGCCTTGGATGGAATGAAAGATCTCCAGTTATTTATTTCTATAACTTCTATG[C>A]AGCCAGTAAAATTCTTGACTGGTACAGGCATCTGAGAGAGAGAGAGAGAGAGAGAAGTAG-3'
Protein context (NP_001136272.1, residues 2027-2047): MPVPVKNFTG[Cys2037Phe]IEVIEINNWR